The following is an entry in ClinVar:

NM_024884.3(L2HGDH):c.1285G>A (p.Gly429Arg)

Gene: L2HGDH (L-2-hydroxyglutarate dehydrogenase; minus strand). Cytogenetic location: 14q21.3.
Variant type: single nucleotide variant.
Coding change: c.1285G>A on transcript NM_024884.3 (MANE Select); coding-DNA position 1285, G replaced by A.
Protein change: p.Gly429Arg; replaces glycine 429 with arginine.
Molecular consequence: missense variant.
Genome position (GRCh38, 1-based): chr14:50,247,165, C>T on the plus strand (G>A on the coding strand, the complement: L2HGDH is on the minus strand). VCF-style: chr14-50247165-C-T. GRCh37 (hg19) VCF-style: chr14-50713883-C-T.
Other names: short protein forms G429R.
Identifiers: ClinVar variation 1436029 (VCV001436029.8), dbSNP rs751508205, ClinGen allele CA7177752.

ClinVar aggregate classification (germline): Uncertain significance (1 of 4 stars; one submission).

Conditions:
L-2-hydroxyglutaric aciduria (L2HGA). Identifiers: Orphanet 79314, MedGen C1855995, MONDO:0009370, OMIM 236792, HP:0040144.

Allele frequency attached by ClinVar (database versions not stated): gnomAD exomes below 0.00001; ExAC 0.00001.
gnomAD v4.1: 1 of 1,614,092 alleles (0.000062%); highest among the groups gnomAD compares: Admixed American, 0.0017%; no homozygotes.

Submission:

Labcorp Genetics (formerly Invitae), Labcorp
Classification: Uncertain significance for L-2-hydroxyglutaric aciduria. Last evaluated: 2022-09-27. Review status: criteria provided, single submitter. Criteria: Invitae Variant Classification Sherloc (09022015). Collection method: clinical testing. Allele origin: germline.
Comment: Advanced modeling of protein sequence and biophysical properties (such as structural, functional, and spatial information, amino acid conservation, physicochemical variation, residue mobility, and thermodynamic stability) performed at Invitae indicates that this missense variant is not expected to disrupt L2HGDH protein function. ClinVar contains an entry for this variant (Variation ID: 1436029). This variant has not been reported in the literature in individuals affected with L2HGDH-related conditions. This variant is present in population databases (rs751508205, gnomAD 0.003%). This sequence change replaces glycine, which is neutral and non-polar, with arginine, which is basic and polar, at codon 429 of the L2HGDH protein (p.Gly429Arg). In summary, the available evidence is currently insufficient to determine the role of this variant in disease. Therefore, it has been classified as a Variant of Uncertain Significance.